The following is an entry in ClinVar:

ClinVar aggregate classification (germline): Uncertain significance (1 of 4 stars; one submission).

Conditions:
Spastic paraplegia. Identifiers: MedGen C0037772, HP:0001258.

Submission:

Labcorp Genetics (formerly Invitae), Labcorp
Classification: Uncertain significance for Spastic paraplegia. Last evaluated: 2025-03-31. Review status: criteria provided, single submitter. Criteria: Invitae Variant Classification Sherloc (09022015). Collection method: clinical testing. Allele origin: germline.
Comment: This sequence change replaces histidine, which is basic and polar, with proline, which is neutral and non-polar, at codon 986 of the L1CAM protein (p.His986Pro). This variant is not present in population databases (gnomAD no frequency). This variant has not been reported in the literature in individuals affected with L1CAM-related conditions. Invitae Evidence Modeling of protein sequence and biophysical properties (such as structural, functional, and spatial information, amino acid conservation, physicochemical variation, residue mobility, and thermodynamic stability) indicates that this missense variant is not expected to disrupt L1CAM protein function with a negative predictive value of 95%. In summary, the available evidence is currently insufficient to determine the role of this variant in disease. Therefore, it has been classified as a Variant of Uncertain Significance.

NM_001278116.2(L1CAM):c.2957A>C (p.His986Pro)

Gene: L1CAM (L1 cell adhesion molecule; minus strand). Cytogenetic location: Xq28.
Variant type: single nucleotide variant.
Coding change: c.2957A>C on transcript NM_001278116.2 (MANE Select); coding-DNA position 2957, A replaced by C.
Protein change: p.His986Pro; replaces histidine 986 with proline.
Molecular consequence: missense variant.
Genome position (GRCh38, 1-based): chrX:153,864,910, T>G on the plus strand (A>C on the coding strand, the complement: L1CAM is on the minus strand). VCF-style: chrX-153864910-T-G. GRCh37 (hg19) VCF-style: chrX-153130365-T-G.
Other names: c.2957A>C, p.His986Pro (NM_000425.5, NM_024003.3); c.2942A>C, p.His981Pro (NM_001143963.2); short protein forms H981P, H986P.
Identifiers: ClinVar variation 4802214 (VCV004802214.1).
Genomic context (GRCh38, chrX:153,864,910, plus strand): 5'-ACGATGGCTTCACCAGGGCCCTCTTTGGTGGTGGCCTGAAGCTGGAAGCGGTACCGCAGG[T>G]GGGGGCTGAGATCGGTCAGGTTGTGTGTCCGAAGTTCGGGGTCCCGAAGGTTGAAGGACA-3'
Protein context (NP_001265045.1, residues 976-996): RTHNLTDLSP[His986Pro]LRYRFQLQAT